The following is an entry in ClinVar:

NM_001367943.1(TCF7L2):c.188A>T (p.Glu63Val)

Gene: TCF7L2 (transcription factor 7 like 2; plus strand). Cytogenetic location: 10q25.2.
Variant type: single nucleotide variant.
Coding change: c.188A>T on transcript NM_001367943.1 (MANE Select); coding-DNA position 188, A replaced by T.
Protein change: p.Glu63Val; replaces glutamic acid 63 with valine.
Molecular consequence: missense variant.
Genome position (GRCh38, 1-based): chr10:112,950,944, A>T. VCF-style: chr10-112950944-A-T. GRCh37 (hg19) VCF-style: chr10-114710703-A-T.
Other names: c.188A>T, p.Glu63Val (NM_001146274.2, NM_001146283.2, NM_001146284.2 and 11 more transcripts); short protein forms E63V.
Identifiers: ClinVar variation 4681035 (VCV004681035.1).

ClinVar aggregate classification (germline): Uncertain significance (1 of 4 stars; one submission).

Submission:

GeneDx
Classification: Uncertain significance. Last evaluated: 2025-07-01. Review status: criteria provided, single submitter. Criteria: GeneDx Variant Classification Process June 2021. Collection method: clinical testing. Allele origin: germline. Affected: yes.
Comment: Not observed at significant frequency in large population cohorts (gnomAD); In silico analysis supports that this missense variant has a deleterious effect on protein structure/function; Has not been previously published as pathogenic or benign to our knowledge